The following is an entry in ClinVar:

ClinVar aggregate classification (germline): Uncertain significance (1 of 4 stars; one submission).

Submission:

Labcorp Genetics (formerly Invitae), Labcorp
Classification: Uncertain significance. Last evaluated: 2025-08-04. Review status: criteria provided, single submitter. Criteria: Invitae Variant Classification Sherloc (09022015). Collection method: clinical testing. Allele origin: germline.
Comment: This sequence change replaces glycine, which is neutral and non-polar, with tryptophan, which is neutral and slightly polar, at codon 37 of the GNPTG protein (p.Gly37Trp). This variant is not present in population databases (gnomAD no frequency). This variant has not been reported in the literature in individuals affected with GNPTG-related conditions. ClinVar contains an entry for this variant (Variation ID: 2012868). An algorithm developed to predict the effect of missense changes on protein structure and function (PolyPhen-2) suggests that this variant is likely to be disruptive. In summary, the available evidence is currently insufficient to determine the role of this variant in disease. Therefore, it has been classified as a Variant of Uncertain Significance.

NM_032520.5(GNPTG):c.109G>T (p.Gly37Trp)

Gene: GNPTG (N-acetylglucosamine-1-phosphate transferase subunit gamma; plus strand). Cytogenetic location: 16p13.3.
Variant type: single nucleotide variant.
Coding change: c.109G>T on transcript NM_032520.5 (MANE Select); coding-DNA position 109, G replaced by T.
Protein change: p.Gly37Trp; replaces glycine 37 with tryptophan.
Molecular consequence: missense variant.
Genome position (GRCh38, 1-based): chr16:1,352,158, G>T. VCF-style: chr16-1352158-G-T. GRCh37 (hg19) VCF-style: chr16-1402159-G-T.
Other names: short protein forms G37W.
Identifiers: ClinVar variation 2012868 (VCV002012868.4), dbSNP rs2548185746, ClinGen allele CA394184223.
Genomic context (GRCh38, chr16:1,352,158, plus strand): 5'-GTAGGGCCCGCGCCGGCAGGTGCAGCGAAGATGAAGGTGGTGGAGGAGCCCAACGCGTTT[G>T]GGTGAGCAGCCTCGCGGGCTGGCGGCTCGAGCGGGGGACGGCCCGGGCCCGTTCCCCGCT-3'
Protein context (NP_115909.1, residues 27-47): MKVVEEPNAF[Gly37Trp]VNNPFLPQAS